The following is an entry in ClinVar:

NM_018051.5(DYNC2I1):c.778C>T (p.Arg260Ter)

Gene: DYNC2I1 (dynein 2 intermediate chain 1; plus strand). Cytogenetic location: 7q36.3.
Variant type: single nucleotide variant.
Coding change: c.778C>T on transcript NM_018051.5 (MANE Select); coding-DNA position 778, C replaced by T.
Protein change: p.Arg260Ter; replaces arginine 260 with a stop codon.
Molecular consequence: nonsense. On other transcripts: synonymous variant (1), 5 prime UTR variant (3).
Genome position (GRCh38, 1-based): chr7:158,879,888, C>T. VCF-style: chr7-158879888-C-T. GRCh37 (hg19) VCF-style: chr7-158672579-C-T.
Other names: c.640C>T, p.Arg214Ter (NM_001350914.2); c.261C>T, p.Ser87= (NM_001350915.2); c.-581C>T (NM_001350916.2); c.-589C>T (NM_001350917.2); c.-708C>T (NM_001350918.2); short protein forms R214*, R260*.
Identifiers: ClinVar variation 2873339 (VCV002873339.3), dbSNP rs1412188940, ClinGen allele CA370180679.
Genomic context (GRCh38, chr7:158,879,888, plus strand): 5'-TATTCCAAAGAGAAAAGTAATTCATTCTCTGACAAAGGGGAAGAAAGACATAAAGAAAAG[C>T]GACACAAAGAAGGTTTTCATTTTGATGATGAGAGGCACCAAAGCAACGTGGATAGAAAAG-3'

ClinVar aggregate classification (germline): Pathogenic (1 of 4 stars; one submission).

Conditions:
Short-rib thoracic dysplasia 8 with or without polydactyly (SRTD8). Also called: SHORT-RIB THORACIC DYSPLASIA 8 WITH POLYDACTYLY. Identifiers: Orphanet 93271, MedGen C3809691, MONDO:0014214, OMIM 615503.

Submission:

Labcorp Genetics (formerly Invitae), Labcorp
Classification: Pathogenic for Short-rib thoracic dysplasia 8 with or without polydactyly. Last evaluated: 2024-10-23. Review status: criteria provided, single submitter. Criteria: Invitae Variant Classification Sherloc (09022015). Collection method: clinical testing. Allele origin: germline.
Comment: This sequence change creates a premature translational stop signal (p.Arg260*) in the WDR60 gene. It is expected to result in an absent or disrupted protein product. Loss-of-function variants in WDR60 are known to be pathogenic (PMID: 9068549, 23910462). This variant is not present in population databases (gnomAD no frequency). This variant has not been reported in the literature in individuals affected with WDR60-related conditions. For these reasons, this variant has been classified as Pathogenic.

Literature cited by the submitters: PubMed 9068549; PubMed 23910462.